The following is an entry in ClinVar:

ClinVar aggregate classification (germline): Likely benign. Review status: criteria provided, multiple submitters, no conflicts (2 of 4 stars). 3 submissions from 3 submitters: Likely benign (3). Last evaluated 2026-08-01.

Allele frequency attached by ClinVar (database versions not stated): gnomAD exomes 0.00013 and 0.00018; ESP Exome Variant Server 0.00015; 1000 Genomes Project 30x 0.00016; gnomAD 0.00016 and 0.00017; TOPMed 0.00016; 1000 Genomes Project 0.00020; ExAC 0.00046.
gnomAD v4.1: 231 of 1,604,790 alleles (0.014%); highest among the groups gnomAD compares: Middle Eastern, 0.85%; 4 homozygotes.

Submissions (3):

CeGaT Center for Human Genetics Tuebingen
Classification: Likely benign. Last evaluated: 2026-08-01. Review status: criteria provided, single submitter. Criteria: CeGaT Center For Human Genetics Tuebingen Variant Classification Criteria Version 2. Collection method: clinical testing. Allele origin: germline. Affected: yes. Observed: 3 variant alleles.
Comment: SLC18A2: BP4, BP7

Labcorp Genetics (formerly Invitae), Labcorp
Classification: Likely benign. Last evaluated: 2026-01-09. Review status: criteria provided, single submitter. Criteria: Invitae Variant Classification Sherloc (09022015). Collection method: clinical testing. Allele origin: germline.

Blueprint Genetics
Classification: Likely benign. Last evaluated: 2024-11-25. Review status: criteria provided, single submitter. Criteria: ACMG Guidelines, 2015. Collection method: clinical testing. Allele origin: germline.

NM_003054.6(SLC18A2):c.27C>T (p.Val9=)

Genes: SLC18A2 (solute carrier family 18 member A2; plus strand), SLC18A2-AS1 (SLC18A2 antisense RNA 1; minus strand). Cytogenetic location: 10q25.3.
Variant type: single nucleotide variant.
Coding change: c.27C>T on transcript NM_003054.6 (MANE Select); coding-DNA position 27, C replaced by T.
Protein change: p.Val9=; no amino-acid change (valine 9 retained).
Molecular consequence: synonymous variant.
Genome position (GRCh38, 1-based): chr10:117,241,720, C>T. VCF-style: chr10-117241720-C-T. GRCh37 (hg19) VCF-style: chr10-119001231-C-T.
Identifiers: ClinVar variation 747914 (VCV000747914.16), dbSNP rs368087382, ClinGen allele CA5710161.
Genomic context (GRCh38, chr10:117,241,720, plus strand): 5'-CCGCGCACCGCGCCCGCAGCGGAGCCCCGGAGCCATGGCCCTGAGCGAGCTGGCGCTGGT[C>T]CGCTGGCTGCAGGAGAGCCGCCGCTCGCGGAAGCTCATCCTGTTCATCGTGTTCCTGGCG-3'
Protein context (NP_003045.2, residues 1-19): MALSELAL[Val9=]RWLQESRRSR